The following is an entry in ClinVar:

ClinVar aggregate classification (germline): Pathogenic (1 of 4 stars; one submission).

Submission:

GeneDx
Classification: Pathogenic. Last evaluated: 2024-01-05. Review status: criteria provided, single submitter. Criteria: GeneDx Variant Classification Process June 2021. Collection method: clinical testing. Allele origin: germline. Affected: yes.
Comment: Nonsense variant predicted to result in protein truncation, as the last 76 amino acids are lost, and other loss-of-function variants have been reported downstream in HGMD; Not observed at significant frequency in large population cohorts (gnomAD); This variant is associated with the following publications: (PMID: 25525159, 17550212)

NM_000054.7(AVPR2):c.887G>A (p.Trp296Ter)

Gene: AVPR2 (arginine vasopressin receptor 2; plus strand). Cytogenetic location: Xq28.
Variant type: single nucleotide variant.
Coding change: c.887G>A on transcript NM_000054.7 (MANE Select); coding-DNA position 887, G replaced by A.
Protein change: p.Trp296Ter; replaces tryptophan 296 with a stop codon.
Molecular consequence: nonsense. On other transcripts: non-coding transcript variant (1).
Genome position (GRCh38, 1-based): chrX:153,906,393, G>A. VCF-style: chrX-153906393-G-A. GRCh37 (hg19) VCF-style: chrX-153171847-G-A.
Other names: c.887G>A, p.Trp296Ter (NM_001146151.3); short protein forms W296*.
Identifiers: ClinVar variation 3338812 (VCV003338812.1).